The following is an entry in ClinVar:

NM_001042492.3(NF1):c.7012C>G (p.Leu2338Val)

Gene: NF1 (neurofibromin 1; plus strand). Cytogenetic location: 17q11.2.
Variant type: single nucleotide variant.
Coding change: c.7012C>G on transcript NM_001042492.3 (MANE Select); coding-DNA position 7012, C replaced by G.
Protein change: p.Leu2338Val; replaces leucine 2338 with valine.
Molecular consequence: missense variant.
Genome position (GRCh38, 1-based): chr17:31,340,595, C>G. VCF-style: chr17-31340595-C-G. GRCh37 (hg19) VCF-style: chr17-29667613-C-G.
Other names: c.6949C>G, p.Leu2317Val (NM_000267.4); short protein forms L2338V, L2317V.
Identifiers: ClinVar variation 649434 (VCV000649434.5), dbSNP rs1597848149, ClinGen allele CA399015028.

ClinVar aggregate classification (germline): Uncertain significance (1 of 4 stars; one submission).

Conditions:
Neurofibromatosis, type 1 (NF1). Also called: VON RECKLINGHAUSEN DISEASE; Neurofibromatosis, type I; NEUROFIBROMATOSIS, TYPE I, SOMATIC; Peripheral type neurofibromatosis. Identifiers: Orphanet 636, MedGen C0027831, MONDO:0018975, OMIM 162200. Disease mechanism: loss of function.

Submission:

Labcorp Genetics (formerly Invitae), Labcorp
Classification: Uncertain significance for Neurofibromatosis, type 1. Last evaluated: 2024-02-29. Review status: criteria provided, single submitter. Criteria: Invitae Variant Classification Sherloc (09022015). Collection method: clinical testing. Allele origin: germline.
Comment: This sequence change replaces leucine, which is neutral and non-polar, with valine, which is neutral and non-polar, at codon 2317 of the NF1 protein (p.Leu2317Val). This variant is not present in population databases (gnomAD no frequency). This variant has not been reported in the literature in individuals affected with NF1-related conditions. ClinVar contains an entry for this variant (Variation ID: 649434). Advanced modeling of protein sequence and biophysical properties (such as structural, functional, and spatial information, amino acid conservation, physicochemical variation, residue mobility, and thermodynamic stability) performed at Invitae indicates that this missense variant is expected to disrupt NF1 protein function with a positive predictive value of 95%. In summary, the available evidence is currently insufficient to determine the role of this variant in disease. Therefore, it has been classified as a Variant of Uncertain Significance.